The following is an entry in ClinVar:

ClinVar aggregate classification (germline): Pathogenic/Likely pathogenic. Review status: criteria provided, multiple submitters, no conflicts (2 of 4 stars). 4 submissions from 4 submitters: Pathogenic (3); Likely pathogenic (1). Last evaluated 2024-12-22.

Conditions:
Hereditary hemorrhagic telangiectasia (HHT). Also called: ORW DISEASE; Osler Weber Rendu syndrome; OSLER-RENDU-WEBER DISEASE; Osler hemorrhagic telangiectasia syndrome. Identifiers: Orphanet 774, MedGen C0039445, MONDO:0019180. Disease mechanism: loss of function.
Telangiectasia, hereditary hemorrhagic, type 1 (HHT1). Also called: Osler Weber Rendu syndrome type 1; ENG-Related Hereditary Hemorrhagic Telangiectasia. Identifiers: Orphanet 774, MedGen C4551861, MONDO:0008535, OMIM 187300. Disease mechanism: loss of function.
Cardiovascular phenotype. Identifiers: MedGen CN230736.

Submissions (4):

Labcorp Genetics (formerly Invitae), Labcorp
Classification: Pathogenic for Hereditary hemorrhagic telangiectasia. Last evaluated: 2024-12-22. Review status: criteria provided, single submitter. Criteria: Invitae Variant Classification Sherloc (09022015). Collection method: clinical testing. Allele origin: germline.
Comment: This sequence change creates a premature translational stop signal (p.Asp491Alafs*26) in the ENG gene. It is expected to result in an absent or disrupted protein product. Loss-of-function variants in ENG are known to be pathogenic (PMID: 15879500). This variant is not present in population databases (gnomAD no frequency). This premature translational stop signal has been observed in individual(s) with hereditary haemorrhagic telangiectasia (PMID: 20414677). ClinVar contains an entry for this variant (Variation ID: 842548). For these reasons, this variant has been classified as Pathogenic.

Fulgent Genetics
Classification: Likely pathogenic for Telangiectasia, hereditary hemorrhagic, type 1. Last evaluated: 2021-10-19. Review status: criteria provided, single submitter. Criteria: ACMG Guidelines, 2015. Collection method: clinical testing. Allele origin: unknown.

Ambry Genetics
Classification: Pathogenic for Cardiovascular phenotype. Last evaluated: 2018-03-05. Review status: criteria provided, single submitter. Criteria: Ambry Variant Classification Scheme 2023. Collection method: clinical testing. Allele origin: germline.
Comment: The c.1472_1475delACAG pathogenic mutation, located in coding exon 12 of the ENG gene, results from a deletion of 4 nucleotides at nucleotide positions 1472 to 1475, causing a translational frameshift with a predicted alternate stop codon (p.D491Afs*26). This alteration is expected to result in loss of function by premature protein truncation or nonsense-mediated mRNA decay. As such, this alteration is interpreted as a disease-causing mutation.

NIHR Bioresource Rare Diseases, University of Cambridge
Classification: Pathogenic for Telangiectasia, hereditary hemorrhagic, type 1. Last evaluated: 2018-01-01. Review status: criteria provided, single submitter. Criteria: ACMG Guidelines, 2015. Collection method: research. Allele origin: unknown. Affected: yes. Observed: 1 variant allele.
Comment: PVS1+PM2+PP4

Literature cited by the submitters: PubMed 15879500 (cited by Labcorp Genetics (formerly Invitae), Labcorp); PubMed 20414677 (cited by Labcorp Genetics (formerly Invitae), Labcorp); PubMed 23801935 (cited by Ambry Genetics); PubMed 32573726 (cited by NIHR Bioresource Rare Diseases, University of Cambridge).

NM_001114753.3(ENG):c.1472_1475del (p.Asp491fs)

Genes: ENG (endoglin; minus strand), LOC102723566 (uncharacterized LOC102723566; plus strand). Cytogenetic location: 9q34.11.
Variant type: Deletion.
Coding change: c.1472_1475del on transcript NM_001114753.3 (MANE Select); coding-DNA positions 1472 to 1475, 4 bases deleted (ACAG; older notation c.1472_1475delACAG).
Protein change: p.Asp491fs; shifts the reading frame from aspartic acid 491.
Molecular consequence: frameshift variant. On other transcripts: non-coding transcript variant (1).
Genome position (GRCh38, 1-based): chr9:127,818,331-127,818,334, CTGT deleted on the plus strand (ACAG on the coding strand, the reverse complement: ENG is on the minus strand); deleting any 4 consecutive bases within chr9:127,818,331-127,818,336 gives the same sequence; the c. name uses the placement nearest the transcript's 3' end. VCF-style (leftmost placement, unchanged base first): chr9-127818330-GCTGT-G. GRCh37 (hg19) VCF-style: chr9-130580609-GCTGT-G.
Other names: c.1472_1475delACAG (NM_000118.3); c.1470_1473delAGAC, p.Asp491Alafs (NM_000118.4); c.926_929del, p.Asp309fs (NM_001278138.2); c.1472_1475del (NM_001114753.2); short protein forms D309fs, D491fs.
Identifiers: ClinVar variation 842548 (VCV000842548.16), dbSNP rs1830384910, ClinGen allele CA916081551.